The following is an entry in ClinVar:

ClinVar aggregate classification (germline): Uncertain significance. Review status: criteria provided, multiple submitters, no conflicts (2 of 4 stars). 2 submissions from 2 submitters: Uncertain significance (2). Last evaluated 2024-04-03.

Conditions:
Combined oxidative phosphorylation defect type 11. Also called: ENCEPHALONEUROMYOPATHY, INFANTILE, DUE TO MITOCHONDRIAL TRANSLATION DEFECT; Combined oxidative phosphorylation deficiency 11. Identifiers: Orphanet 324535, MedGen C5190991, MONDO:0013969, OMIM 614922.

Allele frequency attached by ClinVar (database versions not stated): gnomAD exomes below 0.00001; TOPMed below 0.00001; gnomAD 0.00001; ExAC 0.00004.
gnomAD v4.1: 4 of 1,434,948 alleles (0.00028%); highest among the groups gnomAD compares: Admixed American, 0.0087%; no homozygotes.

Submissions (2):

Fulgent Genetics
Classification: Uncertain significance for Combined oxidative phosphorylation defect type 11. Last evaluated: 2024-04-03. Review status: criteria provided, single submitter. Criteria: ACMG Guidelines, 2015. Collection method: clinical testing. Allele origin: germline.

Labcorp Genetics (formerly Invitae), Labcorp
Classification: Uncertain significance. Last evaluated: 2022-08-12. Review status: criteria provided, single submitter. Criteria: Invitae Variant Classification Sherloc (09022015). Collection method: clinical testing. Allele origin: germline.
Comment: In summary, the available evidence is currently insufficient to determine the role of this variant in disease. Therefore, it has been classified as a Variant of Uncertain Significance. Variants that disrupt the consensus splice site are a relatively common cause of aberrant splicing (PMID: 17576681, 9536098). Algorithms developed to predict the effect of sequence changes on RNA splicing suggest that this variant is not likely to affect RNA splicing. This variant has not been reported in the literature in individuals affected with RMND1-related conditions. The frequency data for this variant in the population databases is considered unreliable, as metrics indicate poor data quality at this position in the gnomAD database. This sequence change falls in intron 8 of the RMND1 gene. It does not directly change the encoded amino acid sequence of the RMND1 protein. It affects a nucleotide within the consensus splice site.

Literature cited by the submitters: PubMed 17576681 (cited by Labcorp Genetics (formerly Invitae), Labcorp); PubMed 9536098 (cited by Labcorp Genetics (formerly Invitae), Labcorp).

NM_017909.4(RMND1):c.1002+6T>C

Gene: RMND1 (required for meiotic nuclear division 1 homolog; minus strand). Cytogenetic location: 6q25.1.
Variant type: single nucleotide variant.
Coding change: c.1002+6T>C on transcript NM_017909.4 (MANE Select); 6 bases into the intron after coding-DNA position 1002, T replaced by C.
Molecular consequence: intron variant.
Genome position (GRCh38, 1-based): chr6:151,422,535, A>G on the plus strand (T>C on the coding strand, the complement: RMND1 is on the minus strand). VCF-style: chr6-151422535-A-G. GRCh37 (hg19) VCF-style: chr6-151743670-A-G.
Other names: c.492+6T>C (NM_001271937.2).
Identifiers: ClinVar variation 1898190 (VCV001898190.4), dbSNP rs764470375, ClinGen allele CA4050846.